The following is an entry in ClinVar:

NM_152564.5(VPS13B):c.1005A>G (p.Ser335=)

Gene: VPS13B (vacuolar protein sorting 13 homolog B; plus strand). Cytogenetic location: 8q22.2.
Variant type: single nucleotide variant.
Coding change: c.1005A>G on transcript NM_152564.5 (MANE Select); coding-DNA position 1005, A replaced by G.
Protein change: p.Ser335=; no amino-acid change (serine 335 retained).
Molecular consequence: synonymous variant. On other transcripts: non-coding transcript variant (1).
Genome position (GRCh38, 1-based): chr8:99,121,244, A>G. VCF-style: chr8-99121244-A-G. GRCh37 (hg19) VCF-style: chr8-100133472-A-G.
Other names: c.1005A>G, p.Ser335= (NM_015243.3, NM_017890.5, NM_181661.3).
Identifiers: ClinVar variation 1967549 (VCV001967549.6), dbSNP rs1282225081, ClinGen allele CA462463841.

ClinVar aggregate classification (germline): Likely benign. Review status: criteria provided, multiple submitters, no conflicts (2 of 4 stars). 2 submissions from 2 submitters: Likely benign (2). Last evaluated 2025-12-06.

Conditions:
VPS13B-related disorder. Also called: VPS13B-related condition.
Cohen syndrome (COH1). Also called: PEPPER SYNDROME; Cutis verticis gyrata, retinitis pigmentosa, and sensorineural deafness. Identifiers: Orphanet 193, MedGen C0265223, MONDO:0008999, OMIM 216550.

Allele frequency attached by ClinVar (database versions not stated): gnomAD exomes below 0.00001; TOPMed below 0.00001.
gnomAD v4.1: 1 of 1,614,134 alleles (0.000062%); highest among the groups gnomAD compares: Admixed American, 0.0017%; no homozygotes.

Submissions (2):

Labcorp Genetics (formerly Invitae), Labcorp
Classification: Likely benign for Cohen syndrome. Last evaluated: 2025-12-06. Review status: criteria provided, single submitter. Criteria: Invitae Variant Classification Sherloc (09022015). Collection method: clinical testing. Allele origin: germline.

PreventionGenetics, part of Exact Sciences
Classification: Likely benign for VPS13B-related condition. Last evaluated: 2025-12-03. Review status: criteria provided, single submitter. Criteria: ACMG Guidelines, 2015. Collection method: clinical testing. Allele origin: germline.
Comment: This variant is classified as likely benign based on ACMG/AMP sequence variant interpretation guidelines (Richards et al. 2015 PMID: 25741868, with internal and published modifications).